The following is an entry in ClinVar:

ClinVar aggregate classification (germline): Uncertain significance (1 of 4 stars; one submission).

Conditions:
Anauxetic dysplasia. Identifiers: Orphanet 93347, MedGen C1846796, MONDO:0011773.

Submission:

Labcorp Genetics (formerly Invitae), Labcorp
Classification: Uncertain significance for Anauxetic dysplasia. Last evaluated: 2022-03-19. Review status: criteria provided, single submitter. Criteria: Invitae Variant Classification Sherloc (09022015). Collection method: clinical testing. Allele origin: germline.
Comment: This variant occurs in the RMRP gene, which encodes an RNA molecule that does not result in a protein product. This variant is not present in population databases (gnomAD no frequency). This variant has not been reported in the literature in individuals affected with RMRP-related conditions. Experimental studies and prediction algorithms are not available or were not evaluated, and the functional significance of this variant is currently unknown. In summary, the available evidence is currently insufficient to determine the role of this variant in disease. Therefore, it has been classified as a Variant of Uncertain Significance.

NC_000009.12:g.35657808T>G

Gene: RMRP (RNA component of mitochondrial RNA processing endoribonuclease; minus strand). Cytogenetic location: 9p13.3.
Variant type: single nucleotide variant.
Genome position: GRCh38 VCF-style: chr9-35657808-T-G. GRCh37 (hg19) VCF-style: chr9-35657805-T-G.
Identifiers: ClinVar variation 1368506 (VCV001368506.3), dbSNP rs1243849504, ClinGen allele CA464450529.